The following is an entry in ClinVar:

ClinVar aggregate classification (germline): Uncertain significance (1 of 4 stars; one submission).

Conditions:
Polyhydramnios, megalencephaly, and symptomatic epilepsy (PMSE). Also called: PMSE SYNDROME. Identifiers: Orphanet 500533, MedGen C1970203, MONDO:0012611, OMIM 611087.

Allele frequency attached by ClinVar (database versions not stated): gnomAD exomes below 0.00001.
gnomAD v4.1: 1 of 1,614,042 alleles (0.000062%); highest among the groups gnomAD compares: Non-Finnish European, 0.000085%; no homozygotes.

Submission:

Labcorp Genetics (formerly Invitae), Labcorp
Classification: Uncertain significance for Polyhydramnios, megalencephaly, and symptomatic epilepsy. Last evaluated: 2022-09-01. Review status: criteria provided, single submitter. Criteria: Invitae Variant Classification Sherloc (09022015). Collection method: clinical testing. Allele origin: germline.
Comment: In summary, the available evidence is currently insufficient to determine the role of this variant in disease. Therefore, it has been classified as a Variant of Uncertain Significance. Algorithms developed to predict the effect of sequence changes on RNA splicing suggest that this variant may create or strengthen a splice site. Algorithms developed to predict the effect of missense changes on protein structure and function are either unavailable or do not agree on the potential impact of this missense change (SIFT: "Tolerated"; PolyPhen-2: "Possibly Damaging"; Align-GVGD: "Class C0"). ClinVar contains an entry for this variant (Variation ID: 1349012). This variant has not been reported in the literature in individuals affected with STRADA-related conditions. This variant is not present in population databases (gnomAD no frequency). This sequence change replaces lysine, which is basic and polar, with glutamic acid, which is acidic and polar, at codon 156 of the STRADA protein (p.Lys156Glu).

NM_001003787.4(STRADA):c.466A>G (p.Lys156Glu)

Genes: STRADA (STE20 related adaptor alpha; minus strand), LOC125312417 (Sharpr-MPRA regulatory region 9817; plus strand). Cytogenetic location: 17q23.3.
Variant type: single nucleotide variant.
Coding change: c.466A>G on transcript NM_001003787.4 (MANE Select); coding-DNA position 466, A replaced by G.
Protein change: p.Lys156Glu; replaces lysine 156 with glutamic acid.
Molecular consequence: missense variant. On other transcripts: non-coding transcript variant (1).
Genome position (GRCh38, 1-based): chr17:63,710,606, T>C on the plus strand (A>G on the coding strand, the complement: STRADA is on the minus strand). VCF-style: chr17-63710606-T-C. GRCh37 (hg19) VCF-style: chr17-61787966-T-C.
Other names: c.355A>G, p.Lys119Glu (NM_001003786.3, NM_001363789.1, NM_153335.6); c.292A>G, p.Lys98Glu (NM_001003788.3, NM_001363790.1, NM_001363791.1); c.379A>G, p.Lys127Glu (NM_001165969.2, NM_001363787.1); c.334A>G, p.Lys112Glu (NM_001165970.2); c.442A>G, p.Lys148Glu (NM_001363786.1); c.466A>G, p.Lys156Glu (NM_001363788.1); short protein forms K112E, K119E, K156E, K98E, K127E, K148E.
Identifiers: ClinVar variation 1349012 (VCV001349012.8), dbSNP rs2143850037, ClinGen allele CA400592752.